The following is an entry in ClinVar:

ClinVar aggregate classification (germline): Uncertain significance (1 of 4 stars; one submission).

gnomAD v4.1: 1 of 1,611,560 alleles (0.000062%); highest among the groups gnomAD compares: East Asian, 0.0022%; no homozygotes.

Submission:

Ambry Genetics
Classification: Uncertain significance. Last evaluated: 2025-09-14. Review status: criteria provided, single submitter. Criteria: Ambry Variant Classification Scheme 2023. Collection method: clinical testing. Allele origin: germline.
Comment: The p.A370T variant (also known as c.1108G>A), located in coding exon 9 of the RECQL gene, results from a G to A substitution at nucleotide position 1108. The alanine at codon 370 is replaced by threonine, an amino acid with similar properties. This amino acid position is conserved. In addition, this alteration is predicted to be deleterious by in silico analysis. Based on the available evidence, the clinical significance of this variant remains unclear.

NM_002907.4(RECQL):c.1108G>A (p.Ala370Thr)

Gene: RECQL (RecQ like helicase; minus strand). Cytogenetic location: 12p12.1.
Variant type: single nucleotide variant.
Coding change: c.1108G>A on transcript NM_002907.4 (MANE Select); coding-DNA position 1108, G replaced by A.
Protein change: p.Ala370Thr; replaces alanine 370 with threonine.
Molecular consequence: missense variant.
Genome position (GRCh38, 1-based): chr12:21,475,576, C>T on the plus strand (G>A on the coding strand, the complement: RECQL is on the minus strand). VCF-style: chr12-21475576-C-T. GRCh37 (hg19) VCF-style: chr12-21628510-C-T.
Other names: c.1108G>A, p.Ala370Thr (NM_032941.3); short protein forms A370T.
Identifiers: ClinVar variation 4152334 (VCV004152334.1).
Genomic context (GRCh38, chr12:21,475,576, plus strand): 5'-AATGATGGATAACAAACCTCACATCTGGCTTATCAATTCCCATACCAAATGCAACAGTTG[C>T]CACTACTACCTGAAATATTTTAACATTTTATCAGTTAATTAAATCAAGTTTAAATATTTT-3'
Protein context (NP_002898.2, residues 360-380): WSANEIQVVV[Ala370Thr]TVAFGMGIDK